The following is an entry in ClinVar:

ClinVar aggregate classification (germline): Conflicting classifications of pathogenicity. Review status: criteria provided, conflicting classifications (1 of 4 stars). 5 submissions from 5 submitters: Uncertain significance (4); Likely benign (1). Last evaluated 2026-03-05.

Conditions:
Peripheral neuropathy. Also called: Neuropathy. Identifiers: MedGen C0031117, MONDO:0005244, HP:0009830.
FLRT1-related disorder. Also called: FLRT1-related condition.

Allele frequency attached by ClinVar (database versions not stated): 1000 Genomes Project 0.00040; 1000 Genomes Project 30x 0.00062; TOPMed 0.00073; ESP Exome Variant Server 0.00108.
gnomAD v4.1: 2,449 of 1,606,438 alleles (0.15%); highest among the groups gnomAD compares: Non-Finnish European, 0.19%; 4 homozygotes.

Submissions (5):

PreventionGenetics, part of Exact Sciences
Classification: Likely benign for FLRT1-related condition. Last evaluated: 2026-03-05. Review status: criteria provided, single submitter. Criteria: ACMG Guidelines, 2015. Collection method: clinical testing. Allele origin: germline.
Comment: This variant is classified as likely benign based on ACMG/AMP sequence variant interpretation guidelines (Richards et al. 2015 PMID: 25741868, with internal and published modifications).

Ambry Genetics
Classification: Uncertain significance. Last evaluated: 2023-11-06. Review status: criteria provided, single submitter. Criteria: Ambry Variant Classification Scheme 2023. Collection method: clinical testing. Allele origin: germline.

Labcorp Genetics (formerly Invitae), Labcorp
Classification: Uncertain significance for Peripheral neuropathy. Last evaluated: 2022-08-09. Review status: criteria provided, single submitter. Criteria: Invitae Variant Classification Sherloc (09022015). Collection method: clinical testing. Allele origin: germline.
Comment: This sequence change replaces threonine, which is neutral and polar, with arginine, which is basic and polar, at codon 13 of the FLRT1 protein (p.Thr13Arg). This variant is present in population databases (rs139768227, gnomAD 0.1%), and has an allele count higher than expected for a pathogenic variant. This variant has not been reported in the literature in individuals affected with FLRT1-related conditions. ClinVar contains an entry for this variant (Variation ID: 461801). Algorithms developed to predict the effect of missense changes on protein structure and function are either unavailable or do not agree on the potential impact of this missense change (SIFT: "Tolerated"; PolyPhen-2: "Not Available"; Align-GVGD: "Class C0"). Algorithms developed to predict the effect of sequence changes on RNA splicing suggest that this variant may create or strengthen a splice site. In summary, the available evidence is currently insufficient to determine the role of this variant in disease. Therefore, it has been classified as a Variant of Uncertain Significance.

CeGaT Center for Human Genetics Tuebingen
Classification: Uncertain significance. Last evaluated: 2016-05-01. Review status: criteria provided, single submitter. Criteria: CeGaT Center For Human Genetics Tuebingen Variant Classification Criteria Version 2. Collection method: clinical testing. Allele origin: germline. Affected: yes. Observed: 1 variant allele.

Breakthrough Genomics
Classification: Uncertain significance. Review status: criteria provided, single submitter. Criteria: ACMG Guidelines, 2015. Collection method: not provided. Allele origin: germline. Inheritance: Unknown mechanism. Affected: yes.

NM_013280.5(FLRT1):c.38C>G (p.Thr13Arg)

Genes: FLRT1 (fibronectin leucine rich transmembrane protein 1; plus strand), MACROD1 (mono-ADP ribosylhydrolase 1; minus strand). Cytogenetic location: 11q13.1.
Variant type: single nucleotide variant.
Coding change: c.38C>G on transcript NM_013280.5 (MANE Select); coding-DNA position 38, C replaced by G.
Protein change: p.Thr13Arg; replaces threonine 13 with arginine.
Molecular consequence: missense variant. On other transcripts: 5 prime UTR variant (1), intron variant (2).
Genome position (GRCh38, 1-based): chr11:64,116,305, C>G. VCF-style: chr11-64116305-C-G. GRCh37 (hg19) VCF-style: chr11-63883777-C-G.
Other names: c.38C>G, p.Thr13Arg (NM_001384466.1); c.-47C>G (NM_001423967.1); c.517+34934G>C (NM_001411019.1, NM_014067.4); short protein forms T13R.
Identifiers: ClinVar variation 461801 (VCV000461801.54), dbSNP rs139768227, ClinGen allele CA6067398.